The following is an entry in ClinVar:

ClinVar aggregate classification (germline): Uncertain significance (1 of 4 stars; one submission).

Conditions:
Cardiovascular phenotype. Identifiers: MedGen CN230736.

Allele frequency attached by ClinVar (database versions not stated): gnomAD exomes below 0.00001.
gnomAD v4.1: 1 of 1,614,082 alleles (0.000062%); highest among the groups gnomAD compares: Non-Finnish European, 0.000085%; no homozygotes.

Submission:

Ambry Genetics
Classification: Uncertain significance for Cardiovascular phenotype. Last evaluated: 2023-03-26. Review status: criteria provided, single submitter. Criteria: Ambry Variant Classification Scheme 2023. Collection method: clinical testing. Allele origin: germline.
Comment: The p.M2042V variant (also known as c.6124A>G), located in coding exon 26 of the APOB gene, results from an A to G substitution at nucleotide position 6124. The methionine at codon 2042 is replaced by valine, an amino acid with highly similar properties. This amino acid position is conserved. In addition, this alteration is predicted to be tolerated by in silico analysis. Since supporting evidence is limited at this time, the clinical significance of this alteration remains unclear.

NM_000384.3(APOB):c.6124A>G (p.Met2042Val)

Gene: APOB (apolipoprotein B; minus strand). Cytogenetic location: 2p24.1.
Variant type: single nucleotide variant.
Coding change: c.6124A>G on transcript NM_000384.3 (MANE Select); coding-DNA position 6124, A replaced by G.
Protein change: p.Met2042Val; replaces methionine 2042 with valine.
Molecular consequence: missense variant.
Genome position (GRCh38, 1-based): chr2:21,010,744, T>C on the plus strand (A>G on the coding strand, the complement: APOB is on the minus strand). VCF-style: chr2-21010744-T-C. GRCh37 (hg19) VCF-style: chr2-21233616-T-C.
Other names: short protein forms M2042V.
Identifiers: ClinVar variation 2565837 (VCV002565837.2), dbSNP rs2465372562, ClinGen allele CA346002580.